The following is an entry in ClinVar:

NM_000059.4(BRCA2):c.9939G>C (p.Lys3313Asn)

Gene: BRCA2 (BRCA2 DNA repair associated; plus strand). Cytogenetic location: 13q13.1.
Variant type: single nucleotide variant.
Coding change: c.9939G>C on transcript NM_000059.4 (MANE Select); coding-DNA position 9939, G replaced by C.
Protein change: p.Lys3313Asn; replaces lysine 3313 with asparagine.
Molecular consequence: missense variant.
Genome position (GRCh38, 1-based): chr13:32,398,452, G>C. VCF-style: chr13-32398452-G-C. GRCh37 (hg19) VCF-style: chr13-32972589-G-C.
Other names: short protein forms K3313N.
Identifiers: ClinVar variation 1489095 (VCV001489095.8), dbSNP rs1593202069, ClinGen allele CA387767200.

ClinVar aggregate classification (germline): Uncertain significance (1 of 4 stars; one submission).

Conditions:
Hereditary breast ovarian cancer syndrome. Also called: Hereditary breast and/or ovarian cancer syndrome; Hereditary breast and ovarian cancer syndrome (HBOC); Breast and ovarian cancer; Hereditary breast and ovarian cancer; Hereditary breast and ovarian cancer syndrome; BRCA1- and BRCA2-Associated Hereditary Breast and Ovarian Cancer. Identifiers: Orphanet 145, MedGen C0677776, MeSH D061325, MONDO:0003582. Disease mechanism: loss of function.

Submission:

Labcorp Genetics (formerly Invitae), Labcorp
Classification: Uncertain significance for Hereditary breast ovarian cancer syndrome. Last evaluated: 2024-04-08. Review status: criteria provided, single submitter. Criteria: Invitae Variant Classification Sherloc (09022015). Collection method: clinical testing. Allele origin: germline.
Comment: This sequence change replaces lysine, which is basic and polar, with asparagine, which is neutral and polar, at codon 3313 of the BRCA2 protein (p.Lys3313Asn). This variant is not present in population databases (gnomAD no frequency). This variant has not been reported in the literature in individuals affected with BRCA2-related conditions. ClinVar contains an entry for this variant (Variation ID: 1489095). Advanced modeling of protein sequence and biophysical properties (such as structural, functional, and spatial information, amino acid conservation, physicochemical variation, residue mobility, and thermodynamic stability) performed at Invitae indicates that this missense variant is not expected to disrupt BRCA2 protein function with a negative predictive value of 95%. In summary, the available evidence is currently insufficient to determine the role of this variant in disease. Therefore, it has been classified as a Variant of Uncertain Significance.